The following is an entry in ClinVar:

NM_013266.4(CTNNA3):c.908G>A (p.Arg303His)

Gene: CTNNA3 (catenin alpha 3; minus strand). Cytogenetic location: 10q21.3.
Variant type: single nucleotide variant.
Coding change: c.908G>A on transcript NM_013266.4 (MANE Select); coding-DNA position 908, G replaced by A.
Protein change: p.Arg303His; replaces arginine 303 with histidine.
Molecular consequence: missense variant.
Genome position (GRCh38, 1-based): chr10:67,180,456, C>T on the plus strand (G>A on the coding strand, the complement: CTNNA3 is on the minus strand). VCF-style: chr10-67180456-C-T. GRCh37 (hg19) VCF-style: chr10-68940214-C-T.
Other names: c.908G>A, p.Arg303His (NM_001127384.3); c.944G>A, p.Arg315His (NM_001291133.2); short protein forms R315H, R303H.
Identifiers: ClinVar variation 1765739 (VCV001765739.2), dbSNP rs780671006, ClinGen allele CA5520453.
Genomic context (GRCh38, chr10:67,180,456, plus strand): 5'-AAGTCCCTCGTACATGAAGAATCCGCCAGCAGAGCAGCCCCACTGATAATGGCTTCAAGG[C>T]GTTTCTCTAGTGATGGTCGTATTTCCTCCTCAGTTACTGTGAGTGGATTCAGGACAATTA-3'
Protein context (NP_037398.2, residues 293-313): EEEIRPSLEK[Arg303His]LEAIISGAAL

ClinVar aggregate classification (germline): Uncertain significance (1 of 4 stars; one submission).

Allele frequency attached by ClinVar (database versions not stated): ExAC 0.00002.
gnomAD v4.1: 12 of 1,613,728 alleles (0.00074%); highest among the groups gnomAD compares: East Asian, 0.0089%; no homozygotes.

Submission:

Ambry Genetics
Classification: Uncertain significance. Last evaluated: 2021-08-10. Review status: criteria provided, single submitter. Criteria: Ambry Variant Classification Scheme 2023. Collection method: clinical testing. Allele origin: germline.
Comment: The p.R303H variant (also known as c.908G>A), located in coding exon 6 of the CTNNA3 gene, results from a G to A substitution at nucleotide position 908. The arginine at codon 303 is replaced by histidine, an amino acid with highly similar properties. This amino acid position is conserved. In addition, the in silico prediction for this alteration is inconclusive. Since supporting evidence is limited at this time, the clinical significance of this alteration remains unclear.